The following is an entry in ClinVar:

NM_182978.4(GNAL):c.640G>A (p.Val214Met)

Gene: GNAL (G protein subunit alpha L; plus strand). Cytogenetic location: 18p11.21.
Variant type: single nucleotide variant.
Coding change: c.640G>A on transcript NM_182978.4 (MANE Select); coding-DNA position 640, G replaced by A.
Protein change: p.Val214Met; replaces valine 214 with methionine.
Molecular consequence: missense variant.
Genome position (GRCh38, 1-based): chr18:11,824,933, G>A. VCF-style: chr18-11824933-G-A. GRCh37 (hg19) VCF-style: chr18-11824932-G-A.
Other names: c.409G>A, p.Val137Met (NM_001142339.3, NM_001261443.2, NM_001369387.1); c.409G>A (NM_001142339.2); short protein forms V137M, V214M.
Identifiers: ClinVar variation 39967 (VCV000039967.3), dbSNP rs398122923, ClinGen allele CA130667.

ClinVar aggregate classification (germline): Uncertain significance. Review status: criteria provided, single submitter (1 of 4 stars). 2 submissions from 2 submitters: Uncertain significance (1). 1 of the submissions does not count toward it. Last evaluated 2024-02-20.

Conditions:
Dystonia 25 (DYT25). Also called: DYT-GNAL. Identifiers: Orphanet 329466, MedGen C4304670, MONDO:0014033, OMIM 615073.

Submissions (2):

GeneDx
Classification: Uncertain significance. Last evaluated: 2024-02-20. Review status: criteria provided, single submitter. Criteria: GeneDx Variant Classification Process June 2021. Collection method: clinical testing. Allele origin: germline. Affected: yes.
Comment: Published functional studies demonstrate that the variant results in little to modest effect on the protein (PMID: 30021154); Not observed at significant frequency in large population cohorts (gnomAD); In silico analysis supports that this missense variant does not alter protein structure/function; This variant is associated with the following publications: (PMID: 26725140, Giri2017[Thesis], 29948482, 24136457, 23775978, 24952478, 30021154, 23222958)

OMIM
Classification: Pathogenic for DYSTONIA 25. Last evaluated: 2013-01-01. Review status: no assertion criteria provided. Collection method: literature only. Allele origin: germline. Not counted in ClinVar's aggregate classification.

Literature cited by the submitters: Bressman, S. B., Heiman, G. A., Nygaard, T. G., Ozelius, L. J., Hunt, A. L., Brin, M. F., Gordon, M. F., Moskowitz, C. B., de Leon, D., Burke, R. E., Fahn, S., Risch, N. J., Beakefield, X. O., Kramer, P. L. A study of idiopathic torsion dystonia in a non-Jewish family: evidence for genetic heterogeneity. Neurology 44: 283-287, 1994. (cited by OMIM); PubMed 23222958 (cited by OMIM).